The following is an entry in ClinVar:

NM_001287349.3(ZNF852):c.1176C>T (p.Phe392=)

Gene: ZNF852 (zinc finger protein 852; minus strand). Cytogenetic location: 3p21.31.
Variant type: single nucleotide variant.
Coding change: c.1176C>T on transcript NM_001287349.3; coding-DNA position 1176, C replaced by T.
Protein change: p.Phe392=; no amino-acid change (phenylalanine 392 retained).
Molecular consequence: synonymous variant.
Genome position (GRCh38, 1-based): chr3:44,499,601, G>A on the plus strand (C>T on the coding strand, the complement: ZNF852 is on the minus strand). VCF-style: chr3-44499601-G-A. GRCh37 (hg19) VCF-style: chr3-44541093-G-A.
Other names: c.1176C>T, p.Phe392= (NM_001423469.1); c.1179C>T, p.Phe393= (NM_001423470.1, NM_001423484.1).
Identifiers: ClinVar variation 2653723 (VCV002653723.24), dbSNP rs142286179, ClinGen allele CA2343087.
Genomic context (GRCh38, chr3:44,499,601, plus strand): 5'-TTTATAGGGCTTTTCACTTGTGTGAAGCCTCTGGTGCCGAATAAGACATTTACTCAGACC[G>A]AATGCCTTACCACACTCACTACACTTAAATGGTTTTTCTCCAGTATGAATTCGCTCATGT-3'

ClinVar aggregate classification (germline): Likely benign (1 of 4 stars; one submission).

Allele frequency attached by ClinVar (database versions not stated): 1000 Genomes Project 30x 0.00328; ExAC 0.00375; 1000 Genomes Project 0.00379; gnomAD exomes 0.00453; gnomAD 0.00541; TOPMed 0.00550.

Submission:

CeGaT Center for Human Genetics Tuebingen
Classification: Likely benign. Last evaluated: 2023-02-01. Review status: criteria provided, single submitter. Criteria: CeGaT Center For Human Genetics Tuebingen Variant Classification Criteria Version 2. Collection method: clinical testing. Allele origin: germline. Affected: yes. Observed: 1 variant allele.
Comment: ZNF852: BP4, BP7